The following is an entry in ClinVar:

ClinVar aggregate classification (germline): Uncertain significance (1 of 4 stars; one submission).

Conditions:
Hereditary nonpolyposis colorectal neoplasms. Identifiers: MedGen C0009405, MeSH D003123.

Submission:

Labcorp Genetics (formerly Invitae), Labcorp
Classification: Uncertain significance for Hereditary nonpolyposis colorectal neoplasms. Last evaluated: 2023-06-27. Review status: criteria provided, single submitter. Criteria: Invitae Variant Classification Sherloc (09022015). Collection method: clinical testing. Allele origin: germline.
Comment: This variant, c.1083_1088del, results in the deletion of 2 amino acid(s) of the MSH6 protein (p.Pro362_Thr363del), but otherwise preserves the integrity of the reading frame. This variant is not present in population databases (gnomAD no frequency). This variant has not been reported in the literature in individuals affected with MSH6-related conditions. Experimental studies and prediction algorithms are not available or were not evaluated, and the functional significance of this variant is currently unknown. In summary, the available evidence is currently insufficient to determine the role of this variant in disease. Therefore, it has been classified as a Variant of Uncertain Significance.

NM_000179.3(MSH6):c.1083_1088del (p.Pro362_Thr363del)

Gene: MSH6 (mutS homolog 6; plus strand). Cytogenetic location: 2p16.3.
Variant type: Deletion.
Coding change: c.1083_1088del on transcript NM_000179.3 (MANE Select); coding-DNA positions 1083 to 1088, 6 bases deleted (CCCTAC; older notation c.1083_1088delCCCTAC).
Protein change: p.Pro362_Thr363del.
Molecular consequence: inframe deletion. On other transcripts: non-coding transcript variant (4), intron variant (1).
Genome position (GRCh38, 1-based): chr2:47,799,066-47,799,071, CCCTAC deleted. VCF-style (leftmost placement, unchanged base first): chr2-47799065-GCCCTAC-G. GRCh37 (hg19) VCF-style: chr2-48026204-GCCCTAC-G.
Other names: c.693_698del, p.Pro232_Thr233del (NM_001281492.2); c.177_182del, p.Pro60_Thr61del (NM_001281493.2, NM_001281494.2, NM_001406811.1 and 6 more transcripts); c.1179_1184del, p.Pro394_Thr395del (NM_001406795.1, NM_001406802.1); c.1083_1088del, p.Pro362_Thr363del (NM_001406796.1, NM_001406798.1, NM_001406800.1 and 4 more transcripts); c.786_791del, p.Pro263_Thr264del (NM_001406797.1, NM_001406801.1, NM_001406805.1 and 10 more transcripts); c.558_563del, p.Pro187_Thr188del (NM_001406799.1, NM_001406806.1, NM_001406807.1); c.1005_1010del, p.Pro336_Thr337del (NM_001406804.1); c.1089_1094del, p.Pro364_Thr365del (NM_001406813.1); and 2 more.
Identifiers: ClinVar variation 2731125 (VCV002731125.3), dbSNP rs2530588248, ClinGen allele CA2697548129.
Genomic context (GRCh38, chr2:47,799,065, plus strand): 5'-CTGCCCCTCAAAATTCTGAATCCCAAGCCCACGTTAGTGGAGGTGGTGATGACAGTAGTC[GCCCTAC>G]TGTTTGGTATCATGAAACTTTAGAATGGCTTAAGGAGGAAAAGAGAAGAGATGAGCACAG-3'